The following is an entry in ClinVar:

ClinVar aggregate classification (germline): Likely benign. Review status: criteria provided, multiple submitters, no conflicts (2 of 4 stars). 2 submissions from 2 submitters: Likely benign (2). Last evaluated 2018-06-16.

Allele frequency attached by ClinVar (database versions not stated): TOPMed 0.03301; gnomAD 0.03576; 1000 Genomes Project 30x 0.04122; 1000 Genomes Project 0.04653.
gnomAD v4.1: 15,228 of 429,248 alleles (3.5%); highest among the groups gnomAD compares: South Asian, 7.9%; 442 homozygotes.

Submissions (2):

GeneDx
Classification: Likely benign. Last evaluated: 2018-06-16. Review status: criteria provided, single submitter. Criteria: GeneDx Variant Classification (06012015). Collection method: clinical testing. Allele origin: germline. Affected: yes.
Comment: This variant is considered likely benign or benign based on one or more of the following criteria: it is a conservative change, it occurs at a poorly conserved position in the protein, it is predicted to be benign by multiple in silico algorithms, and/or has population frequency not consistent with disease.

Breakthrough Genomics
Classification: Likely benign. Review status: criteria provided, single submitter. Criteria: ACMG Guidelines, 2015. Collection method: not provided. Allele origin: germline. Inheritance: Autosomal recessive inheritance. Affected: yes.

NM_002936.6(RNASEH1):c.509+238G>A

Gene: RNASEH1 (ribonuclease H1; minus strand). Cytogenetic location: 2p25.3.
Variant type: single nucleotide variant.
Coding change: c.509+238G>A on transcript NM_002936.6 (MANE Select); 238 bases into the intron after coding-DNA position 509, G replaced by A.
Molecular consequence: intron variant.
Genome position (GRCh38, 1-based): chr2:3,550,135, C>T on the plus strand (G>A on the coding strand, the complement: RNASEH1 is on the minus strand). VCF-style: chr2-3550135-C-T. GRCh37 (hg19) VCF-style: chr2-3597725-C-T.
Other names: c.506+238G>A (NM_001378272.1); c.509+238G>A (NM_001378273.1, NM_001378271.1); c.431+238G>A (NM_001286834.3); c.158+238G>A (NM_001286837.3).
Identifiers: ClinVar variation 671580 (VCV000671580.2), dbSNP rs114645635, ClinGen allele CA41522880.
Genomic context (GRCh38, chr2:3,550,135, plus strand): 5'-GAAGTCTGCAGTGAGCTGTGTTTGTGCCACTGTACTCCATCCTGGGCAACAGTGTGAGAC[C>T]GTGTCTTAAAAAAAAAAAAAAAAAAAAAAAAAGCAAAGGAAGTAAAGCTGAGGTACCTCA-3'